The following is an entry in ClinVar:

ClinVar aggregate classification (germline): Uncertain significance (1 of 4 stars; one submission).

Conditions:
Bloom syndrome (BLM). Also called: Bloom-Torre-Machacek syndrome. Identifiers: Orphanet 125, MedGen C0005859, MONDO:0008876, OMIM 210900.

Submission:

Labcorp Genetics (formerly Invitae), Labcorp
Classification: Uncertain significance for Bloom syndrome. Last evaluated: 2018-01-29. Review status: criteria provided, single submitter. Criteria: Invitae Variant Classification Sherloc (09022015). Collection method: clinical testing. Allele origin: germline.
Comment: This variant is an in-frame deletion of the genomic region encompassing exon 10 of the BLM gene. It preserves the integrity of the reading frame. This variant has not been reported in the literature in individuals with BLM-related disease. Experimental studies and prediction algorithms are not available for this variant, and the functional significance of the deleted amino acids is currently unknown. In summary, the available evidence is currently insufficient to determine the role of this variant in disease. Therefore, it has been classified as a Variant of Uncertain Significance.

NC_000015.10:g.(?_90766904)_(90767029_?)del

Gene: BLM (BLM RecQ like helicase; plus strand). Cytogenetic location: 15q26.1.
Variant type: Deletion.
Identifiers: ClinVar variation 584016 (VCV000584016.1).